The following is an entry in ClinVar:

NM_000426.4(LAMA2):c.112+2_112+12del

Gene: LAMA2 (laminin subunit alpha 2; plus strand). Cytogenetic location: 6q22.33.
Variant type: Deletion.
Coding change: c.112+2_112+12del on transcript NM_000426.4 (MANE Select); the canonical splice donor site of the intron after coding-DNA position 112 through 12 bases into the intron after coding-DNA position 112, 11 bases deleted (TACAGTCGAGG).
Molecular consequence: splice donor variant.
Genome position (GRCh38, 1-based): chr6:128,883,359-128,883,369, TACAGTCGAGG deleted; deleting any 11 consecutive bases within chr6:128,883,355-128,883,369 gives the same sequence; the c. name uses the placement nearest the transcript's 3' end. VCF-style (leftmost placement, unchanged base first): chr6-128883354-AGAGGTACAGTC-A. GRCh37 (hg19) VCF-style: chr6-129204499-AGAGGTACAGTC-A.
Other names: c.112+2_112+12del (NM_001079823.2).
Identifiers: ClinVar variation 1912215 (VCV001912215.5), dbSNP rs748694238, ClinGen allele CA3992212.

ClinVar aggregate classification (germline): Likely pathogenic (1 of 4 stars; one submission).

Conditions:
LAMA2-related muscular dystrophy (LAMA2-RD). Also called: Laminin alpha 2-related dystrophy. Identifiers: MedGen C5679788, MONDO:0100228.

Submission:

Labcorp Genetics (formerly Invitae), Labcorp
Classification: Likely pathogenic for LAMA2-related muscular dystrophy. Last evaluated: 2022-08-22. Review status: criteria provided, single submitter. Criteria: Invitae Variant Classification Sherloc (09022015). Collection method: clinical testing. Allele origin: germline.
Comment: This sequence change affects a splice site in intron 1 of the LAMA2 gene. It is expected to disrupt RNA splicing. Variants that disrupt the donor or acceptor splice site typically lead to a loss of protein function (PMID: 16199547), and loss-of-function variants in LAMA2 are known to be pathogenic (PMID: 18700894, 32904964). In summary, the currently available evidence indicates that the variant is pathogenic, but additional data are needed to prove that conclusively. Therefore, this variant has been classified as Likely Pathogenic. Algorithms developed to predict the effect of sequence changes on RNA splicing suggest that this variant may disrupt the consensus splice site. This variant has not been reported in the literature in individuals affected with LAMA2-related conditions. This variant is not present in population databases (gnomAD no frequency).

Literature cited by the submitters: PubMed 16199547; PubMed 18700894; PubMed 32904964.